The following is an entry in ClinVar:

ClinVar aggregate classification (germline): Uncertain significance (1 of 4 stars; one submission).

Submission:

GeneDx
Classification: Uncertain significance. Last evaluated: 2024-05-14. Review status: criteria provided, single submitter. Criteria: GeneDx Variant Classification Process June 2021. Collection method: clinical testing. Allele origin: germline. Affected: yes.
Comment: Not observed at significant frequency in large population cohorts (gnomAD); In silico analysis indicates that this missense variant does not alter protein structure/function; Has not been previously published as pathogenic or benign to our knowledge

NM_017636.4(TRPM4):c.1561T>A (p.Ser521Thr)

Gene: TRPM4 (transient receptor potential cation channel subfamily M member 4; plus strand). Cytogenetic location: 19q13.33.
Variant type: single nucleotide variant.
Coding change: c.1561T>A on transcript NM_017636.4 (MANE Select); coding-DNA position 1561, T replaced by A.
Protein change: p.Ser521Thr; replaces serine 521 with threonine.
Molecular consequence: missense variant. On other transcripts: intron variant (1).
Genome position (GRCh38, 1-based): chr19:49,182,875, T>A. VCF-style: chr19-49182875-T-A. GRCh37 (hg19) VCF-style: chr19-49686132-T-A.
Other names: c.1561T>A, p.Ser521Thr (NM_001195227.2); c.1216T>A, p.Ser406Thr (NM_001321281.2); c.1039T>A, p.Ser347Thr (NM_001321283.2); c.499T>A, p.Ser167Thr (NM_001321285.2); c.-1+8T>A (NM_001321282.2); short protein forms S167T, S347T, S406T, S521T.
Identifiers: ClinVar variation 3378386 (VCV003378386.1).